The following is an entry in ClinVar:

ClinVar aggregate classification (germline): Benign/Likely benign. Review status: criteria provided, multiple submitters, no conflicts (2 of 4 stars). 6 submissions from 5 submitters: Benign (3); Likely benign (3). Last evaluated 2024-11-27.

Conditions:
GTP cyclohydrolase I deficiency. Identifiers: MedGen C0268467, MONDO:0100184.
Dystonia 5 (DRD). Also called: DYSTONIA, PROGRESSIVE, WITH DIURNAL VARIATION; DYSTONIA-PARKINSONISM WITH DIURNAL FLUCTUATION; DYT-GCH1; GTP Cyclohydrolase 1-Deficient Dopa-Responsive Dystonia; Dystonia, DOPA-responsive, with or without hyperphenylalaninemia. Identifiers: Orphanet 98808, MedGen C1851920, MONDO:0007495, OMIM 128230.

Allele frequency attached by ClinVar (database versions not stated): gnomAD exomes 0.00035 and 0.00154; gnomAD 0.00057 and 0.00079; TOPMed 0.00081; ExAC 0.00130; 1000 Genomes Project 0.00539; 1000 Genomes Project 30x 0.00547.
gnomAD v4.1: 639 of 1,614,196 alleles (0.04%); highest among the groups gnomAD compares: East Asian, 1.3%; 3 homozygotes.

Submissions (6):

Blueprint Genetics
Classification: Likely benign. Last evaluated: 2024-11-27. Review status: criteria provided, single submitter. Criteria: ACMG Guidelines, 2015. Collection method: clinical testing. Allele origin: germline.

GeneDx
Classification: Likely benign. Last evaluated: 2019-07-21. Review status: criteria provided, single submitter. Criteria: GeneDx Variant Classification Process June 2021. Collection method: clinical testing. Allele origin: germline. Affected: yes.

Illumina Laboratory Services, Illumina
Classification: Benign for Dystonia 5. Last evaluated: 2018-01-13. Review status: criteria provided, single submitter. Criteria: ICSL Variant Classification Criteria 13 December 2019. Collection method: clinical testing. Allele origin: germline.
Comment: This variant was observed in the ICSL laboratory as part of a predisposition screen in an ostensibly healthy population. It had not been previously curated by ICSL or reported in the Human Gene Mutation Database (HGMD: prior to June 1st, 2018), and was therefore a candidate for classification through an automated scoring system. Utilizing variant allele frequency, disease prevalence and penetrance estimates, and inheritance mode, an automated score was calculated to assess if this variant is too frequent to cause the disease. Based on the score and internal cut-off values, a variant classified as benign is not then subjected to further curation. The score for this variant resulted in a classification of benign for this disease.

Illumina Laboratory Services, Illumina
Classification: Benign for GTP cyclohydrolase I deficiency with hyperphenylalaninemia. Last evaluated: 2018-01-13. Review status: criteria provided, single submitter. Criteria: ICSL Variant Classification Criteria 13 December 2019. Collection method: clinical testing. Allele origin: germline.
Comment: the same text as in the submission from Illumina Laboratory Services, Illumina above.

Athena Diagnostics
Classification: Benign. Last evaluated: 2017-04-06. Review status: criteria provided, single submitter. Criteria: Athena Diagnostics Criteria. Collection method: clinical testing. Allele origin: germline.

Breakthrough Genomics
Classification: Likely benign. Review status: criteria provided, single submitter. Criteria: ACMG Guidelines, 2015. Collection method: not provided. Allele origin: germline. Inheritance: Autosomal recessive inheritance. Affected: yes.

NM_000161.3(GCH1):c.*12T>C

Gene: GCH1 (GTP cyclohydrolase 1; minus strand). Cytogenetic location: 14q22.2.
Variant type: single nucleotide variant.
Coding change: c.*12T>C on transcript NM_000161.3 (MANE Select); 12 bases downstream of the stop codon, T replaced by C.
Molecular consequence: 3 prime UTR variant. On other transcripts: intron variant (2).
Genome position (GRCh38, 1-based): chr14:54,844,005, A>G on the plus strand (T>C on the coding strand, the complement: GCH1 is on the minus strand). VCF-style: chr14-54844005-A-G. GRCh37 (hg19) VCF-style: chr14-55310723-A-G.
Other names: c.*12T>C (NM_001024024.2); c.627-951T>C (NM_001024071.2); c.627-136T>C (NM_001024070.2).
Identifiers: ClinVar variation 313389 (VCV000313389.10), dbSNP rs190993883, ClinGen allele CA7193501.